The following is an entry in ClinVar:

ClinVar aggregate classification (germline): Uncertain significance (1 of 4 stars; one submission).

Conditions:
Ehlers-Danlos syndrome, type 4 (EDSVASC). Also called: Ehlers-Danlos Syndrome Type IV; Ehlers-Danlos syndrome vascular type; Ehlers Danlos syndrome, ecchymotic type; Ehlers Danlos syndrome, arterial type; Ehlers Danlos syndrome, Sack-Barabas type. Identifiers: Orphanet 286, MedGen C0268338, MONDO:0017314, OMIM 130050.

Submission:

Labcorp Genetics (formerly Invitae), Labcorp
Classification: Uncertain significance for Ehlers-Danlos syndrome, type 4. Last evaluated: 2022-11-11. Review status: criteria provided, single submitter. Criteria: Invitae Variant Classification Sherloc (09022015). Collection method: clinical testing. Allele origin: germline.
Comment: This variant is not present in population databases (gnomAD no frequency). This variant has not been reported in the literature in individuals affected with COL3A1-related conditions. Advanced modeling of protein sequence and biophysical properties (such as structural, functional, and spatial information, amino acid conservation, physicochemical variation, residue mobility, and thermodynamic stability) performed at Invitae indicates that this missense variant is not expected to disrupt COL3A1 protein function. In summary, the available evidence is currently insufficient to determine the role of this variant in disease. Therefore, it has been classified as a Variant of Uncertain Significance. This sequence change replaces serine, which is neutral and polar, with asparagine, which is neutral and polar, at codon 1383 of the COL3A1 protein (p.Ser1383Asn).

NM_000090.4(COL3A1):c.4148G>A (p.Ser1383Asn)

Gene: COL3A1 (collagen type III alpha 1 chain; plus strand). Cytogenetic location: 2q32.2.
Variant type: single nucleotide variant.
Coding change: c.4148G>A on transcript NM_000090.4 (MANE Select); coding-DNA position 4148, G replaced by A.
Protein change: p.Ser1383Asn; replaces serine 1383 with asparagine.
Molecular consequence: missense variant.
Genome position (GRCh38, 1-based): chr2:189,010,784, G>A. VCF-style: chr2-189010784-G-A. GRCh37 (hg19) VCF-style: chr2-189875510-G-A.
Other names: short protein forms S1383N.
Identifiers: ClinVar variation 2813579 (VCV002813579.3), dbSNP rs1576474434, ClinGen allele CA349849497.
Genomic context (GRCh38, chr2:189,010,784, plus strand): 5'-GAGCTTCCCAGAACATCACATATCACTGCAAAAATAGCATTGCATACATGGATCAGGCCA[G>A]TGGAAATGTAAAGAAGGCCCTGAAGCTGATGGGGTCAAATGAAGGTGAATTCAAGGCTGA-3'
Protein context (NP_000081.2, residues 1373-1393): KNSIAYMDQA[Ser1383Asn]GNVKKALKLM